The following is an entry in ClinVar:

ClinVar aggregate classification (germline): Uncertain significance (1 of 4 stars; one submission).

gnomAD v4.1: 2 of 1,613,944 alleles (0.00012%); highest among the groups gnomAD compares: African/African-American, 0.0027%; no homozygotes.

Submission:

GeneDx
Classification: Uncertain significance. Last evaluated: 2024-07-30. Review status: criteria provided, single submitter. Criteria: GeneDx Variant Classification Process June 2021. Collection method: clinical testing. Allele origin: germline. Affected: yes.
Comment: Not observed at significant frequency in large population cohorts (gnomAD); Missense variant in a gene in which most reported pathogenic variants are truncating/loss of function; Has not been previously published as pathogenic or benign to our knowledge

NM_001267550.2(TTN):c.87551T>G (p.Val29184Gly)

Genes: TTN (titin; minus strand), TTN-AS1 (TTN antisense RNA 1; plus strand). Cytogenetic location: 2q31.2.
Variant type: single nucleotide variant.
Coding change: c.87551T>G on transcript NM_001267550.2 (MANE Select); coding-DNA position 87551, T replaced by G.
Protein change: p.Val29184Gly; replaces valine 29184 with glycine.
Molecular consequence: missense variant.
Genome position (GRCh38, 1-based): chr2:178,557,803, A>C on the plus strand (T>G on the coding strand, the complement: TTN is on the minus strand). VCF-style: chr2-178557803-A-C. GRCh37 (hg19) VCF-style: chr2-179422530-A-C.
Other names: c.82628T>G, p.Val27543Gly (NM_001256850.1); c.60356T>G, p.Val20119Gly (NM_003319.4); c.79847T>G, p.Val26616Gly (NM_133378.4); c.60731T>G, p.Val20244Gly (NM_133432.3); c.60932T>G, p.Val20311Gly (NM_133437.4); short protein forms V20119G, V20244G, V20311G, V26616G, V27543G, V29184G.
Identifiers: ClinVar variation 3602478 (VCV003602478.1).